The following is an entry in ClinVar:

NM_017752.3(TBC1D8B):c.1838-732T>C

Gene: TBC1D8B (TBC1 domain family member 8B; plus strand). Cytogenetic location: Xq22.3.
Variant type: single nucleotide variant.
Coding change: c.1838-732T>C on transcript NM_017752.3 (MANE Select); 732 bases into the intron before coding-DNA position 1838, T replaced by C.
Molecular consequence: intron variant. On other transcripts: missense variant (1).
Genome position (GRCh38, 1-based): chrX:106,849,293, T>C. VCF-style: chrX-106849293-T-C. GRCh37 (hg19) VCF-style: chrX-106092523-T-C.
Other names: c.1886T>C, p.Ile629Thr (NM_198881.2); short protein forms I629T.
Identifiers: ClinVar variation 3351643 (VCV003351643.1).

ClinVar aggregate classification (germline): Likely benign (0 of 4 stars; one submission).

Conditions:
TBC1D8B-related disorder. Also called: TBC1D8B-related condition.

gnomAD v4.1: 59 of 1,139,840 alleles (0.0052%); highest among the groups gnomAD compares: East Asian, 0.019%; no homozygotes.

Submission:

PreventionGenetics, part of Exact Sciences
Classification: Likely benign for TBC1D8B-related condition. Last evaluated: 2024-05-01. Review status: no assertion criteria provided. Collection method: clinical testing. Allele origin: germline.
Comment: This variant is classified as likely benign based on ACMG/AMP sequence variant interpretation guidelines (Richards et al. 2015 PMID: 25741868, with internal and published modifications).